The following is an entry in ClinVar:

ClinVar aggregate classification (germline): Pathogenic (1 of 4 stars; one submission).

Conditions:
Junctional epidermolysis bullosa. Identifiers: Orphanet 305, MedGen C0079301, MONDO:0017612.

Submission:

Myriad Genetics, Inc.
Classification: Pathogenic for Junctional epidermolysis bullosa. Last evaluated: 2024-07-24. Review status: criteria provided, single submitter. Criteria: Myriad Autosomal Dominant, Autosomal Recessive and X-Linked Classification Criteria (2023). Collection method: clinical testing. Allele origin: unknown.
Comment: NM_005562.2(LAMC2):c.956T>G(L319*) is expected to be pathogenic in the context of junctional epidermolysis bullosa, LAMC2-related. This variant is predicted to lead to an abnormal or absent protein product due to the creation of a premature termination codon in LAMC2, a gene where loss-of-function variants are known to be pathogenic. Please note: this variant was assessed in the context of healthy population screening.

NM_005562.3(LAMC2):c.956T>G (p.Leu319Ter)

Gene: LAMC2 (laminin subunit gamma 2; plus strand). Cytogenetic location: 1q25.3.
Variant type: single nucleotide variant.
Coding change: c.956T>G on transcript NM_005562.3 (MANE Select); coding-DNA position 956, T replaced by G.
Protein change: p.Leu319Ter; replaces leucine 319 with a stop codon.
Molecular consequence: nonsense.
Genome position (GRCh38, 1-based): chr1:183,225,610, T>G. VCF-style: chr1-183225610-T-G. GRCh37 (hg19) VCF-style: chr1-183194745-T-G.
Other names: c.956T>G, p.Leu319Ter (NM_018891.3); short protein forms L319*.
Identifiers: ClinVar variation 5013354 (VCV005013354.1).